The following is an entry in ClinVar:

NM_001122630.2(CDKN1C):c.-10-17G>T

Gene: CDKN1C (cyclin dependent kinase inhibitor 1C; minus strand). Cytogenetic location: 11p15.4.
Variant type: single nucleotide variant.
Coding change: c.-10-17G>T on transcript NM_001122630.2 (MANE Select); 17 bases into the intron before 10 bases upstream of the start codon, G replaced by T.
Molecular consequence: intron variant. On other transcripts: missense variant (2).
Genome position (GRCh38, 1-based): chr11:2,885,483, C>A on the plus strand (G>T on the coding strand, the complement: CDKN1C is on the minus strand). VCF-style: chr11-2885483-C-A. GRCh37 (hg19) VCF-style: chr11-2906713-C-A.
Other names: c.7G>T, p.Asp3Tyr (NM_000076.2, NM_001362474.2); c.-10-17G>T (NM_001362475.2, NM_001122631.2); short protein forms D3Y.
Identifiers: ClinVar variation 4803401 (VCV004803401.1).
Genomic context (GRCh38, chr11:2,885,483, plus strand): 5'-CTGGGAAGGTCCCACGGGCGACAAGACGCTCCATCGTGGATGTGCTGCGGAGGGACGCGT[C>A]GGACATGGCCCGGGGCTGCGCAAACGCGGGCAGCGAGAGAGGAGAGGACAGCGAGAAGAA-3'

ClinVar aggregate classification (germline): Uncertain significance (1 of 4 stars; one submission).

Conditions:
Beckwith-Wiedemann syndrome (BWS). Also called: Exomphalos macroglossia gigantism syndrome; EMG SYNDROME. Identifiers: Orphanet 116, MedGen C0004903, MONDO:0007534, OMIM 130650.

Submission:

Labcorp Genetics (formerly Invitae), Labcorp
Classification: Uncertain significance for Beckwith-Wiedemann syndrome. Last evaluated: 2025-03-12. Review status: criteria provided, single submitter. Criteria: Invitae Variant Classification Sherloc (09022015). Collection method: clinical testing. Allele origin: germline.
Comment: This sequence change replaces aspartic acid, which is acidic and polar, with tyrosine, which is neutral and polar, at codon 3 of the CDKN1C protein (p.Asp3Tyr). This variant is not present in population databases (gnomAD no frequency). This variant has not been reported in the literature in individuals affected with CDKN1C-related conditions. An algorithm developed to predict the effect of missense changes on protein structure and function (PolyPhen-2) suggests that this variant is likely to be disruptive. In summary, the available evidence is currently insufficient to determine the role of this variant in disease. Therefore, it has been classified as a Variant of Uncertain Significance.